The following is an entry in ClinVar:

NM_000222.3(KIT):c.2909T>C (p.Leu970Pro)

Gene: KIT (KIT proto-oncogene, receptor tyrosine kinase; plus strand). Cytogenetic location: 4q12.
Variant type: single nucleotide variant.
Coding change: c.2909T>C on transcript NM_000222.3 (MANE Select); coding-DNA position 2909, T replaced by C.
Protein change: p.Leu970Pro; replaces leucine 970 with proline.
Molecular consequence: missense variant.
Genome position (GRCh38, 1-based): chr4:54,738,535, T>C. VCF-style: chr4-54738535-T-C. GRCh37 (hg19) VCF-style: chr4-55604701-T-C.
Other names: c.2897T>C, p.Leu966Pro (NM_001093772.2, NM_001385292.1); c.2912T>C, p.Leu971Pro (NM_001385284.1); c.2906T>C, p.Leu969Pro (NM_001385285.1); c.2894T>C, p.Leu965Pro (NM_001385286.1); c.2900T>C, p.Leu967Pro (NM_001385288.1); c.2909T>C, p.Leu970Pro (NM_001385290.1); short protein forms L970P, L966P, L965P, L967P, L969P, L971P.
Identifiers: ClinVar variation 855906 (VCV000855906.10), dbSNP rs1723061561, ClinGen allele CA356916555.

ClinVar aggregate classification (germline): Uncertain significance (1 of 4 stars; one submission).

Conditions:
Gastrointestinal stromal tumor. Also called: Gastrointestinal stromal tumor, somatic; Gastrointestinal stroma tumor. Identifiers: Orphanet 44890, MedGen C0238198, MeSH D046152, MONDO:0011719, OMIM 606764, HP:0100723.

Submission:

Labcorp Genetics (formerly Invitae), Labcorp
Classification: Uncertain significance for Gastrointestinal stromal tumor. Last evaluated: 2019-11-10. Review status: criteria provided, single submitter. Criteria: Invitae Variant Classification Sherloc (09022015). Collection method: clinical testing. Allele origin: germline.
Comment: In summary, the available evidence is currently insufficient to determine the role of this variant in disease. Therefore, it has been classified as a Variant of Uncertain Significance. Algorithms developed to predict the effect of missense changes on protein structure and function (SIFT, PolyPhen-2, Align-GVGD) all suggest that this variant is likely to be disruptive, but these predictions have not been confirmed by published functional studies and their clinical significance is uncertain. This variant has not been reported in the literature in individuals with KIT-related conditions. This variant is not present in population databases (ExAC no frequency). This sequence change replaces leucine with proline at codon 970 of the KIT protein (p.Leu970Pro). The leucine residue is highly conserved and there is a moderate physicochemical difference between leucine and proline.